The following is an entry in ClinVar:

ClinVar aggregate classification (germline): no classifications from unflagged records (0 of 4 stars; one submission).

Conditions:
Combined immunodeficiency due to OX40 deficiency. Also called: Immunodeficiency 16; OX40 DEFICIENCY. Identifiers: Orphanet 431149, MedGen C3810053, MONDO:0014268, OMIM 615593.

Allele frequency attached by ClinVar (database versions not stated): gnomAD 0.00002; gnomAD exomes 0.00002; TOPMed 0.00002; ExAC 0.00003.
gnomAD v4.1: 35 of 1,602,950 alleles (0.0022%); highest among the groups gnomAD compares: African/African-American, 0.0027%; no homozygotes.

Submission:

OMIM
Classification: Pathogenic for IMMUNODEFICIENCY 16 (1 patient). Last evaluated: 2013-08-26. Review status: flagged submission. Collection method: literature only. Allele origin: germline.
ClinVar note: Notes: Flagging candidate with reason of insufficient supporting evidence. This gene has been classified as having a limited gene-disease relationship by a ClinGen Expert Panel.
ClinVar note: Reason: P/LP classification for a variant in a gene with insufficient evidence for a gene-disease relationship

Literature cited by the submitters: PubMed 23897980.

NM_003327.4(TNFRSF4):c.193C>T (p.Arg65Cys)

Gene: TNFRSF4 (TNF receptor superfamily member 4; minus strand). Cytogenetic location: 1p36.33.
Variant type: single nucleotide variant.
Coding change: c.193C>T on transcript NM_003327.4 (MANE Select); coding-DNA position 193, C replaced by T.
Protein change: p.Arg65Cys; replaces arginine 65 with cysteine.
Molecular consequence: missense variant.
Genome position (GRCh38, 1-based): chr1:1,213,738, G>A on the plus strand (C>T on the coding strand, the complement: TNFRSF4 is on the minus strand). VCF-style: chr1-1213738-G-A. GRCh37 (hg19) VCF-style: chr1-1149118-G-A.
Other names: c.193C>T, p.Arg65Cys (LRG_1319t1); short protein forms R65C.
Identifiers: ClinVar variation 96692 (VCV000096692.1), dbSNP rs587777075, ClinGen allele CA149686.